The following is an entry in ClinVar:

NC_000010.11:g.133568422C>T

Gene: SYCE1 (synaptonemal complex central element protein 1; minus strand). Cytogenetic location: 10q26.3.
Variant type: single nucleotide variant.
Genome position: GRCh38 VCF-style: chr10-133568422-C-T. GRCh37 (hg19) VCF-style: chr10-135381926-C-T.
Identifiers: ClinVar variation 2641035 (VCV002641035.24), dbSNP rs1365370300, ClinGen allele CA662008898.

ClinVar aggregate classification (germline): Likely benign (1 of 4 stars; one submission).

Allele frequency attached by ClinVar (database versions not stated): gnomAD 0.00002; gnomAD exomes 0.00003.

Submission:

CeGaT Center for Human Genetics Tuebingen
Classification: Likely benign. Last evaluated: 2023-03-01. Review status: criteria provided, single submitter. Criteria: CeGaT Center For Human Genetics Tuebingen Variant Classification Criteria Version 2. Collection method: clinical testing. Allele origin: germline. Affected: yes. Observed: 1 variant allele.
Comment: SYCE1: BP4, BP7